The following is an entry in ClinVar:

ClinVar aggregate classification (germline): Uncertain significance (1 of 4 stars; one submission).

Submission:

GeneDx
Classification: Uncertain significance. Last evaluated: 2024-10-01. Review status: criteria provided, single submitter. Criteria: GeneDx Variant Classification Process June 2021. Collection method: clinical testing. Allele origin: germline. Affected: yes.
Comment: Not observed at significant frequency in large population cohorts (gnomAD); In silico analysis indicates that this missense variant does not alter protein structure/function; Has not been previously published as pathogenic or benign to our knowledge; Reported using the transcript encoding the epithelial isoform of the gene

NM_001723.7(DST):c.7816C>T (p.Pro2606Ser)

Gene: DST (dystonin; minus strand). Cytogenetic location: 6p12.1.
Variant type: single nucleotide variant.
Coding change: c.7816C>T on transcript NM_001723.7 (MANE Plus Clinical); coding-DNA position 7816, C replaced by T.
Protein change: p.Pro2606Ser; replaces proline 2606 with serine.
Molecular consequence: missense variant. On other transcripts: intron variant (10).
Genome position (GRCh38, 1-based): chr6:56,615,651, G>A on the plus strand (C>T on the coding strand, the complement: DST is on the minus strand). VCF-style: chr6-56615651-G-A. GRCh37 (hg19) VCF-style: chr6-56480449-G-A.
Other names: c.4831-1167C>T (NM_001144769.5); c.4930-1167C>T (NM_001374722.1, NM_001374736.1); c.4957-1167C>T (NM_001374734.1); c.4417-1167C>T (NM_001144770.2); c.4297-1167C>T (NM_001374730.1, NM_001386100.1, NM_183380.4 and 1 more transcripts); c.3319-1167C>T (NM_015548.5); short protein forms P2606S.
Identifiers: ClinVar variation 3776562 (VCV003776562.1).
Genomic context (GRCh38, chr6:56,615,651, plus strand): 5'-GGAAATCAAAATCAGCTTTTTCTAAGGCTTCTTTATATGTCAACTTTCTTTTTGTCTGAG[G>A]GCATATTATATTTCTGACATATGACTTTTGATCTTTGAGTTTTGTGGCAATGAGGACATC-3'
Protein context (NP_001714.1, residues 2596-2616): QKSYVRNIIC[Pro2606Ser]QTKRKLTYKE